The following is an entry in ClinVar:

ClinVar aggregate classification (germline): Uncertain significance (0 of 4 stars; one submission).

Conditions:
DYRK1B-related disorder. Also called: DYRK1B-related condition.

Allele frequency attached by ClinVar (database versions not stated): gnomAD exomes below 0.00001; gnomAD 0.00001.

Submission:

PreventionGenetics, part of Exact Sciences
Classification: Uncertain significance for DYRK1B-related condition. Last evaluated: 2024-06-10. Review status: no assertion criteria provided. Collection method: clinical testing. Allele origin: germline.
Comment: The DYRK1B c.20A>G variant is predicted to result in the amino acid substitution p.His7Arg. To our knowledge, this variant has not been reported in the literature or in a large population database, indicating this variant is rare. At this time, the clinical significance of this variant is uncertain due to the absence of conclusive functional and genetic evidence.

NM_004714.3(DYRK1B):c.20A>G (p.His7Arg)

Gene: DYRK1B (dual specificity tyrosine phosphorylation regulated kinase 1B; minus strand). Cytogenetic location: 19q13.2.
Variant type: single nucleotide variant.
Coding change: c.20A>G on transcript NM_004714.3 (MANE Select); coding-DNA position 20, A replaced by G.
Protein change: p.His7Arg; replaces histidine 7 with arginine.
Molecular consequence: missense variant.
Genome position (GRCh38, 1-based): chr19:39,831,848, T>C on the plus strand (A>G on the coding strand, the complement: DYRK1B is on the minus strand). VCF-style: chr19-39831848-T-C. GRCh37 (hg19) VCF-style: chr19-40322488-T-C.
Other names: c.20A>G, p.His7Arg (NM_006483.3, NM_006484.3); short protein forms H7R.
Identifiers: ClinVar variation 3044468 (VCV003044468.2), dbSNP rs1161676501, ClinGen allele CA405830945.